The following is an entry in ClinVar:

NM_000506.5(F2):c.650G>A (p.Arg217Gln)

Gene: F2 (coagulation factor II, thrombin; plus strand). Cytogenetic location: 11p11.2.
Variant type: single nucleotide variant.
Coding change: c.650G>A on transcript NM_000506.5 (MANE Select); coding-DNA position 650, G replaced by A.
Protein change: p.Arg217Gln; replaces arginine 217 with glutamine.
Molecular consequence: missense variant.
Genome position (GRCh38, 1-based): chr11:46,725,949, G>A. VCF-style: chr11-46725949-G-A. GRCh37 (hg19) VCF-style: chr11-46747499-G-A.
Other names: c.650G>A (NM_000506.3); short protein forms R217Q.
Identifiers: ClinVar variation 1809637 (VCV001809637.7), dbSNP rs762892196, ClinGen allele CA5967032.

ClinVar aggregate classification (germline): Uncertain significance. Review status: criteria provided, multiple submitters, no conflicts (2 of 4 stars). 3 submissions from 3 submitters: Uncertain significance (3). Last evaluated 2024-03-04.

Conditions:
Inborn genetic diseases. Identifiers: MedGen C0950123, MeSH D030342.
Congenital prothrombin deficiency. Also called: Hereditary factor II deficiency disease; Inherited hypoprothrombinemia; Congenital factor II deficiency; Inherited prothrombin deficiency; Factor II deficiency; HYPOPROTHROMBINEMIA. Identifiers: Orphanet 325, MedGen C0272317, MONDO:0013361, OMIM 613679.

Allele frequency attached by ClinVar (database versions not stated): ExAC 0.00002; gnomAD exomes 0.00002; gnomAD 0.00003; TOPMed 0.00003.
gnomAD v4.1: 32 of 1,613,814 alleles (0.002%); highest among the groups gnomAD compares: African/African-American, 0.0053%; no homozygotes.

Submissions (3):

Labcorp Genetics (formerly Invitae), Labcorp
Classification: Uncertain significance for Congenital prothrombin deficiency. Last evaluated: 2024-03-04. Review status: criteria provided, single submitter. Criteria: Invitae Variant Classification Sherloc (09022015). Collection method: clinical testing. Allele origin: germline.
Comment: This sequence change replaces arginine, which is basic and polar, with glutamine, which is neutral and polar, at codon 217 of the F2 protein (p.Arg217Gln). This variant is present in population databases (rs762892196, gnomAD 0.007%). This missense change has been observed in individual(s) with Thrombophilia (PMID: 36703223). ClinVar contains an entry for this variant (Variation ID: 1809637). Advanced modeling of protein sequence and biophysical properties (such as structural, functional, and spatial information, amino acid conservation, physicochemical variation, residue mobility, and thermodynamic stability) performed at Invitae indicates that this missense variant is not expected to disrupt F2 protein function with a negative predictive value of 80%. In summary, the available evidence is currently insufficient to determine the role of this variant in disease. Therefore, it has been classified as a Variant of Uncertain Significance.

Ambry Genetics
Classification: Uncertain significance for Inborn genetic diseases. Last evaluated: 2023-03-17. Review status: criteria provided, single submitter. Criteria: Ambry Variant Classification Scheme 2023. Collection method: clinical testing. Allele origin: germline.

Dubai Health Genomic Medicine Center, Dubai Health
Classification: Uncertain significance. Last evaluated: 2022-12-17. Review status: criteria provided, single submitter. Criteria: ACMG Guidelines, 2015. Collection method: clinical testing. Allele origin: germline. Affected: yes.

Literature cited by the submitters: PubMed 36703223 (cited by Labcorp Genetics (formerly Invitae), Labcorp).